The following is an entry in ClinVar:

NM_000069.3(CACNA1S):c.258+199_258+200dup

Gene: CACNA1S (calcium voltage-gated channel subunit alpha1 S; minus strand). Cytogenetic location: 1q32.1.
Variant type: Duplication.
Coding change: c.258+199_258+200dup on transcript NM_000069.3 (MANE Select); bases 199 to 200 of the intron after coding-DNA position 258, 2 bases duplicated (TG; older notation c.258+199_258+200dupTG).
Molecular consequence: intron variant.
Genome position (GRCh38, 1-based): chr1:201,109,964-201,109,965, CA duplicated on the plus strand (TG on the coding strand, the reverse complement: CACNA1S is on the minus strand). VCF-style (leftmost placement, unchanged base first): chr1-201109963-T-TCA. GRCh37 (hg19) VCF-style: chr1-201079091-T-TCA.
Identifiers: ClinVar variation 678676 (VCV000678676.1), dbSNP rs112116400, ClinGen allele CA36016539.

ClinVar aggregate classification (germline): Benign (1 of 4 stars; one submission).

Allele frequency attached by ClinVar (database versions not stated): 1000 Genomes Project 30x 0.02186; gnomAD 0.02208 and 0.02355; 1000 Genomes Project 0.02216; TOPMed 0.02483.

Submission:

GeneDx
Classification: Benign. Last evaluated: 2018-06-16. Review status: criteria provided, single submitter. Criteria: GeneDx Variant Classification (06012015). Collection method: clinical testing. Allele origin: germline. Affected: yes.
Comment: This variant is considered likely benign or benign based on one or more of the following criteria: it is a conservative change, it occurs at a poorly conserved position in the protein, it is predicted to be benign by multiple in silico algorithms, and/or has population frequency not consistent with disease.